The following is an entry in ClinVar:

NM_003200.5(TCF3):c.1203C>A (p.Ile401=)

Gene: TCF3 (transcription factor 3; minus strand). Cytogenetic location: 19p13.3.
Variant type: single nucleotide variant.
Coding change: c.1203C>A on transcript NM_003200.5 (MANE Select); coding-DNA position 1203, C replaced by A.
Protein change: p.Ile401=; no amino-acid change (isoleucine 401 retained).
Molecular consequence: synonymous variant.
Genome position (GRCh38, 1-based): chr19:1,619,439, G>T on the plus strand (C>A on the coding strand, the complement: TCF3 is on the minus strand). VCF-style: chr19-1619439-G-T. GRCh37 (hg19) VCF-style: chr19-1619438-G-T.
Other names: c.1203C>A, p.Ile401= (NM_001136139.4, NM_001351779.2); c.1200C>A, p.Ile400= (NM_001351778.2).
Identifiers: ClinVar variation 1636254 (VCV001636254.32), dbSNP rs780703673, ClinGen allele CA9049980.

ClinVar aggregate classification (germline): Likely benign. Review status: criteria provided, multiple submitters, no conflicts (2 of 4 stars). 2 submissions from 2 submitters: Likely benign (2). Last evaluated 2024-10-15.

Allele frequency attached by ClinVar (database versions not stated): gnomAD 0.00001; TOPMed 0.00001.

Submissions (2):

Labcorp Genetics (formerly Invitae), Labcorp
Classification: Likely benign. Last evaluated: 2024-10-15. Review status: criteria provided, single submitter. Criteria: Invitae Variant Classification Sherloc (09022015). Collection method: clinical testing. Allele origin: germline.

CeGaT Center for Human Genetics Tuebingen
Classification: Likely benign. Last evaluated: 2023-02-01. Review status: criteria provided, single submitter. Criteria: CeGaT Center For Human Genetics Tuebingen Variant Classification Criteria Version 2. Collection method: clinical testing. Allele origin: germline. Affected: yes. Observed: 1 variant allele.
Comment: TCF3: BP4, BP7